The following is an entry in ClinVar:

ClinVar aggregate classification (germline): Uncertain significance (1 of 4 stars; one submission).

Allele frequency attached by ClinVar (database versions not stated): gnomAD exomes below 0.00001.
gnomAD v4.1: 1 of 1,613,984 alleles (0.000062%); highest among the groups gnomAD compares: East Asian, 0.0022%; no homozygotes.

Submission:

Labcorp Genetics (formerly Invitae), Labcorp
Classification: Uncertain significance. Last evaluated: 2025-06-09. Review status: criteria provided, single submitter. Criteria: Invitae Variant Classification Sherloc (09022015). Collection method: clinical testing. Allele origin: germline.
Comment: This sequence change replaces asparagine, which is neutral and polar, with serine, which is neutral and polar, at codon 208 of the ITGAM protein (p.Asn208Ser). This variant is present in population databases (no rsID available, gnomAD 0.006%). This variant has not been reported in the literature in individuals affected with ITGAM-related conditions. ClinVar contains an entry for this variant (Variation ID: 1969251). An algorithm developed to predict the effect of missense changes on protein structure and function outputs the following: PolyPhen-2: "Benign". The serine amino acid residue is found in multiple mammalian species, which suggests that this missense change does not adversely affect protein function. In summary, the available evidence is currently insufficient to determine the role of this variant in disease. Therefore, it has been classified as a Variant of Uncertain Significance.

NM_000632.4(ITGAM):c.623A>G (p.Asn208Ser)

Gene: ITGAM (integrin subunit alpha M; plus strand). Cytogenetic location: 16p11.2.
Variant type: single nucleotide variant.
Coding change: c.623A>G on transcript NM_000632.4 (MANE Select); coding-DNA position 623, A replaced by G.
Protein change: p.Asn208Ser; replaces asparagine 208 with serine.
Molecular consequence: missense variant.
Genome position (GRCh38, 1-based): chr16:31,271,911, A>G. VCF-style: chr16-31271911-A-G. GRCh37 (hg19) VCF-style: chr16-31283232-A-G.
Other names: c.623A>G, p.Asn208Ser (NM_001145808.2); short protein forms N208S.
Identifiers: ClinVar variation 1969251 (VCV001969251.5), dbSNP rs992013820, ClinGen allele CA280604462.